The following is an entry in ClinVar:

NM_001844.5(COL2A1):c.3630del (p.Pro1211fs)

Gene: COL2A1 (collagen type II alpha 1 chain; minus strand). Cytogenetic location: 12q13.11.
Variant type: Deletion.
Coding change: c.3630del on transcript NM_001844.5 (MANE Select); coding-DNA position 3630, one base deleted (T; older notation c.3630delT).
Protein change: p.Pro1211fs; shifts the reading frame from proline 1211.
Molecular consequence: frameshift variant.
Genome position (GRCh38, 1-based): chr12:47,975,573, A deleted on the plus strand (T on the coding strand, the reverse complement: COL2A1 is on the minus strand). VCF-style (leftmost placement, unchanged base first): chr12-47975572-GA-G. GRCh37 (hg19) VCF-style: chr12-48369355-GA-G.
Other names: c.3423del, p.Pro1142fs (NM_033150.3); short protein forms P1142fs, P1211fs.
Identifiers: ClinVar variation 2028488 (VCV002028488.4), dbSNP rs2540100842, ClinGen allele CA2580085675.

ClinVar aggregate classification (germline): Pathogenic (1 of 4 stars; one submission).

Submission:

Labcorp Genetics (formerly Invitae), Labcorp
Classification: Pathogenic. Last evaluated: 2022-09-01. Review status: criteria provided, single submitter. Criteria: Invitae Variant Classification Sherloc (09022015). Collection method: clinical testing. Allele origin: germline.
Comment: For these reasons, this variant has been classified as Pathogenic. This variant has not been reported in the literature in individuals affected with COL2A1-related conditions. This variant is not present in population databases (gnomAD no frequency). This sequence change creates a premature translational stop signal (p.Pro1211Glnfs*16) in the COL2A1 gene. It is expected to result in an absent or disrupted protein product. Loss-of-function variants in COL2A1 are known to be pathogenic (PMID: 20179744).

Literature cited by the submitters: PubMed 20179744.